The following is an entry in ClinVar:

ClinVar aggregate classification (germline): Pathogenic (1 of 4 stars; one submission).

Conditions:
Primary ciliary dyskinesia. Also called: Ciliary dyskinesia. Identifiers: Orphanet 244, MedGen C0008780, MONDO:0016575, HP:0012265.

Submission:

Labcorp Genetics (formerly Invitae), Labcorp
Classification: Pathogenic for Primary ciliary dyskinesia. Last evaluated: 2023-12-03. Review status: criteria provided, single submitter. Criteria: Invitae Variant Classification Sherloc (09022015). Collection method: clinical testing. Allele origin: unknown.
Comment: This variant is a gross deletion of the genomic region encompassing exon(s) 3 of the DRC1 gene. This deletion is out-of-frame, and is expected to create a premature termination codon and result in an absent or disrupted protein product. Loss-of-function variants in DRC1 are known to be pathogenic (PMID: 23354437, 31960620). This variant has not been reported in the literature in individuals affected with DRC1-related conditions. For these reasons, this variant has been classified as Pathogenic.

Literature cited by the submitters: PubMed 23354437; PubMed 31960620.

NC_000002.11:g.(?_26644136)_(26644288_?)del

Gene: DRC1 (dynein regulatory complex subunit 1; plus strand). Cytogenetic location: 2p23.3.
Variant type: Deletion.
Identifiers: ClinVar variation 3247068 (VCV003247068.1).